The following is an entry in ClinVar:

NC_000018.9:g.21124907_21124908insCCGC

Gene: NPC1 (NPC intracellular cholesterol transporter 1; minus strand).
Variant type: Insertion.
Identifiers: ClinVar variation 1635826 (VCV001635826.9), dbSNP rs55809701, ClinGen allele CA777724935.

ClinVar aggregate classification (germline): Likely benign. Review status: criteria provided, multiple submitters, no conflicts (2 of 4 stars). 2 submissions from 2 submitters: Likely benign (2). Last evaluated 2026-01-28.

Conditions:
NPC1-related disorder. Also called: NPC1-related condition.
Niemann-Pick disease, type C1. Also called: NIEMANN-PICK DISEASE, VARIANT TYPE C1; NEUROVISCERAL STORAGE DISEASE WITH VERTICAL SUPRANUCLEAR OPHTHALMOPLEGIA; NIEMANN-PICK DISEASE WITH CHOLESTEROL ESTERIFICATION BLOCK; NIEMANN-PICK DISEASE WITHOUT SPHINGOMYELINASE DEFICIENCY; NIEMANN-PICK DISEASE, CHRONIC NEURONOPATHIC FORM. Identifiers: Orphanet 646, MedGen C3179455, MONDO:0009757, OMIM 257220.

Submissions (2):

Labcorp Genetics (formerly Invitae), Labcorp
Classification: Likely benign for Niemann-Pick disease, type C1. Last evaluated: 2026-01-28. Review status: criteria provided, single submitter. Criteria: Invitae Variant Classification Sherloc (09022015). Collection method: clinical testing. Allele origin: germline.

PreventionGenetics, part of Exact Sciences
Classification: Likely benign for NPC1-related condition. Last evaluated: 2021-03-19. Review status: criteria provided, single submitter. Criteria: ACMG Guidelines, 2015. Collection method: clinical testing. Allele origin: germline.
Comment: This variant is classified as likely benign based on ACMG/AMP sequence variant interpretation guidelines (Richards et al. 2015 PMID: 25741868, with internal and published modifications).